The following is an entry in ClinVar:

NM_001148.6(ANK2):c.2572G>T (p.Gly858Trp)

Gene: ANK2 (ankyrin 2; plus strand). Cytogenetic location: 4q26.
Variant type: single nucleotide variant.
Coding change: c.2572G>T on transcript NM_001148.6 (MANE Select); coding-DNA position 2572, G replaced by T.
Protein change: p.Gly858Trp; replaces glycine 858 with tryptophan.
Molecular consequence: missense variant.
Genome position (GRCh38, 1-based): chr4:113,311,278, G>T. VCF-style: chr4-113311278-G-T. GRCh37 (hg19) VCF-style: chr4-114232434-G-T.
Other names: c.2509G>T, p.Gly837Trp (NM_001127493.3, NM_001354239.2, NM_001354243.2 and 10 more transcripts); c.2572G>T, p.Gly858Trp (NM_001354225.2, NM_001354228.2, NM_001354232.2 and 6 more transcripts); c.2617G>T, p.Gly873Trp (NM_001354230.2, NM_001354231.2, NM_001354237.2 and 5 more transcripts); c.2473G>T, p.Gly825Trp (NM_001354245.2, NM_001354268.2); c.2485G>T, p.Gly829Trp (NM_001354249.2, NM_001354264.2, NM_001354266.2 and 10 more transcripts); c.2410G>T, p.Gly804Trp (NM_001354253.2, NM_001354257.2, NM_001354270.2 and 1 more transcripts); c.2386G>T, p.Gly796Trp (NM_001354260.2, NM_001354271.2, NM_001386151.1); c.2530G>T, p.Gly844Trp (NM_001354261.2, NM_001386147.1, NM_001386160.1); and 9 more; short protein forms G730W, G796W, G825W, G804W, G837W, G893W, G763W, G792W.
Identifiers: ClinVar variation 5008048 (VCV005008048.1).

ClinVar aggregate classification (germline): Uncertain significance (1 of 4 stars; one submission).

Submission:

GeneDx
Classification: Uncertain significance. Last evaluated: 2026-02-28. Review status: criteria provided, single submitter. Criteria: GeneDx Variant Classification Process June 2021. Collection method: clinical testing. Allele origin: germline.
Comment: Not observed at significant frequency in large population cohorts (gnomAD); In silico analysis supports that this missense variant has a deleterious effect on protein structure/function; Has not been previously published as pathogenic or benign to our knowledge